The following is an entry in ClinVar:

ClinVar aggregate classification (germline): Uncertain significance (1 of 4 stars; one submission).

Conditions:
CYFIP2-related disorder. Also called: CYFIP2-related condition.

Submission:

PreventionGenetics, part of Exact Sciences
Classification: Uncertain significance for CYFIP2-related condition. Last evaluated: 2026-08-24. Review status: criteria provided, single submitter. Criteria: ACMG Guidelines, 2015. Collection method: clinical testing. Allele origin: germline.
Comment: The CYFIP2 c.3187+1G>A variant is predicted to disrupt the GT donor site and interfere with normal splicing. To our knowledge, this variant has not been reported in the literature or in a large population database (gnomAD), indicating this variant is rare. At this time, the clinical significance of this variant is uncertain due to the absence of conclusive functional and genetic evidence.

NM_001037333.3(CYFIP2):c.3112+1G>A

Genes: CYFIP2 (cytoplasmic FMR1 interacting protein 2; plus strand), NIPAL4-DT (NIPAL4 divergent transcript; minus strand). Cytogenetic location: 5q33.3.
Variant type: single nucleotide variant.
Coding change: c.3112+1G>A on transcript NM_001037333.3 (MANE Select); the canonical splice donor site of the intron after coding-DNA position 3112, G replaced by A.
Molecular consequence: splice donor variant.
Genome position (GRCh38, 1-based): chr5:157,382,663, G>A. VCF-style: chr5-157382663-G-A. GRCh37 (hg19) VCF-style: chr5-156809671-G-A.
Other names: c.3187+1G>A (NM_001291722.2); c.3034+1G>A (NM_001291721.2); c.3112+1G>A (NM_014376.4).
Identifiers: ClinVar variation 4996457 (VCV004996457.1).